The following is an entry in ClinVar:

ClinVar aggregate classification (germline): Likely pathogenic (1 of 4 stars; one submission).

Conditions:
COL3A1-related disorder. Also called: COL3A1-related condition.

Submission:

PreventionGenetics, part of Exact Sciences
Classification: Likely pathogenic for COL3A1-related condition. Last evaluated: 2023-10-10. Review status: criteria provided, single submitter. Criteria: ACMG Guidelines, 2015. Collection method: clinical testing. Allele origin: germline.
Comment: The COL3A1 c.2092_2097delinsACTGG variant is predicted to result in a frameshift and premature protein termination (p.Ala698Thrfs*93). To our knowledge, this variant has not been reported in the literature or in a large population database, indicating this variant is rare. Frameshift variants in COL3A1 are expected to be pathogenic. This variant is interpreted as likely pathogenic.

NM_000090.4(COL3A1):c.2092_2097delinsACTGG (p.Ala698fs)

Gene: COL3A1 (collagen type III alpha 1 chain; plus strand). Cytogenetic location: 2q32.2.
Variant type: Indel.
Coding change: c.2092_2097delinsACTGG on transcript NM_000090.4 (MANE Select); coding-DNA positions 2092 to 2097, GCTGGT replaced by ACTGG.
Protein change: p.Ala698fs; shifts the reading frame from alanine 698.
Molecular consequence: frameshift variant.
Genome position (GRCh38, 1-based): chr2:188,999,354-188,999,359, GCTGGT replaced by ACTGG. VCF-style: chr2-188999354-GCTGGT-ACTGG. GRCh37 (hg19) VCF-style: chr2-189864080-GCTGGT-ACTGG.
Other names: c.2092_2097delGCTGGTinsACTGG, p.Ala698Thrfs (NM_000090.3); short protein forms A698fs.
Identifiers: ClinVar variation 2634004 (VCV002634004.1), dbSNP rs2469143498, ClinGen allele CA2695197093.